The following is an entry in ClinVar:

NM_000337.6(SGCD):c.*7300C>A

Gene: SGCD (sarcoglycan delta; plus strand). Cytogenetic location: 5q33.3.
Variant type: single nucleotide variant.
Coding change: c.*7300C>A on transcript NM_000337.6 (MANE Select); 7300 bases downstream of the stop codon, C replaced by A.
Molecular consequence: 3 prime UTR variant.
Genome position (GRCh38, 1-based): chr5:156,766,690, C>A. VCF-style: chr5-156766690-C-A. GRCh37 (hg19) VCF-style: chr5-156193701-C-A.
Other names: c.*7300C>A (NM_001128209.2).
Identifiers: ClinVar variation 352438 (VCV000352438.10), dbSNP rs72803048, ClinGen allele CA10619824.

ClinVar aggregate classification (germline): Benign/Likely benign. Review status: criteria provided, multiple submitters, no conflicts (2 of 4 stars). 5 submissions from 4 submitters: Benign (2); Likely benign (3). Last evaluated 2023-02-08.

Conditions:
Qualitative or quantitative defects of delta-sarcoglycan. Identifiers: Orphanet 207070, MedGen C5680806, MONDO:0016144.
Autosomal recessive limb-girdle muscular dystrophy type 2F (LGMDR6). Also called: MUSCULAR DYSTROPHY, LIMB-GIRDLE, AUTOSOMAL RECESSIVE 6; Muscular dystrophy limb-girdle with delta-sarcoglyan deficiency. Identifiers: Orphanet 219, MedGen C1832525, MONDO:0011028, OMIM 601287. Disease mechanism: Affects gamma-sarcoglycan and also disrupts the integrity of the entire sarcoglycan complex..
Dilated cardiomyopathy 1L (CMD1L). Identifiers: Orphanet 154, MedGen C1847667, MONDO:0011702, OMIM 606685.

Allele frequency attached by ClinVar (database versions not stated): gnomAD 0.06389 and 0.06455; TOPMed 0.07033; 1000 Genomes Project 0.07967; 1000 Genomes Project 30x 0.08136.

Submissions (5):

Genome-Nilou Lab
Classification: Likely benign for Autosomal recessive limb-girdle muscular dystrophy type 2F. Last evaluated: 2023-02-08. Review status: criteria provided, single submitter. Criteria: ACMG Guidelines, 2015. Collection method: clinical testing. Allele origin: germline.

Genome-Nilou Lab
Classification: Likely benign for Dilated cardiomyopathy 1L. Last evaluated: 2023-02-08. Review status: criteria provided, single submitter. Criteria: ACMG Guidelines, 2015. Collection method: clinical testing. Allele origin: germline.

GeneDx
Classification: Benign. Last evaluated: 2021-05-20. Review status: criteria provided, single submitter. Criteria: GeneDx Variant Classification Process June 2021. Collection method: clinical testing. Allele origin: germline. Affected: yes.

Illumina Laboratory Services, Illumina
Classification: Benign for Qualitative or quantitative defects of delta-sarcoglycan. Last evaluated: 2018-01-13. Review status: criteria provided, single submitter. Criteria: ICSL Variant Classification Criteria 13 December 2019. Collection method: clinical testing. Allele origin: germline.
Comment: This variant was observed in the ICSL laboratory as part of a predisposition screen in an ostensibly healthy population. It had not been previously curated by ICSL or reported in the Human Gene Mutation Database (HGMD: prior to June 1st, 2018), and was therefore a candidate for classification through an automated scoring system. Utilizing variant allele frequency, disease prevalence and penetrance estimates, and inheritance mode, an automated score was calculated to assess if this variant is too frequent to cause the disease. Based on the score and internal cut-off values, a variant classified as benign is not then subjected to further curation. The score for this variant resulted in a classification of benign for this disease.

Breakthrough Genomics
Classification: Likely benign. Review status: criteria provided, single submitter. Criteria: ACMG Guidelines, 2015. Collection method: not provided. Allele origin: germline. Inheritance: Autosomal recessive inheritance. Affected: yes.